The following is an entry in ClinVar:

NM_005592.4(MUSK):c.1606C>G (p.Leu536Val)

Gene: MUSK (muscle associated receptor tyrosine kinase; plus strand). Cytogenetic location: 9q31.3.
Variant type: single nucleotide variant.
Coding change: c.1606C>G on transcript NM_005592.4 (MANE Select); coding-DNA position 1606, C replaced by G.
Protein change: p.Leu536Val; replaces leucine 536 with valine.
Molecular consequence: missense variant.
Genome position (GRCh38, 1-based): chr9:110,785,546, C>G. VCF-style: chr9-110785546-C-G. GRCh37 (hg19) VCF-style: chr9-113547826-C-G.
Other names: c.1348C>G, p.Leu450Val (NM_001166280.2); c.1318C>G, p.Leu440Val (NM_001166281.2); c.346C>G, p.Leu116Val (NM_001369398.1); short protein forms L450V, L536V, L116V, L440V.
Identifiers: ClinVar variation 2192856 (VCV002192856.1), dbSNP rs372082767, ClinGen allele CA5184412.
Genomic context (GRCh38, chr9:110,785,546, plus strand): 5'-GCTTCTGAGCTCATTCCTGATCTTGCCTGTCTTGCCTGCAGAGAATCAGCAGCAGTAACC[C>G]TCACCACACTGCCTTCTGAGCTCTTACTAGATAGACTTCATCCCAACCCCATGTACCAGA-3'
Protein context (NP_005583.1, residues 526-546): NKKRESAAVT[Leu536Val]TTLPSELLLD

ClinVar aggregate classification (germline): Uncertain significance (1 of 4 stars; one submission).

Conditions:
Fetal akinesia deformation sequence 1 (FADS1). Also called: Pena-Shokeir syndrome type I; Fetal akinesia sequence. Identifiers: Orphanet 994, MedGen C1276035, MONDO:0100101, OMIM 208150, HP:0001989.
Congenital myasthenic syndrome 9. Also called: Myasthenic syndrome, congenital, 9, associated with acetylcholine receptor deficiency. Identifiers: Orphanet 590, MedGen C4225368, MONDO:0014587, OMIM 616325.

Allele frequency attached by ClinVar (database versions not stated): gnomAD 0.00001; gnomAD exomes 0.00001; TOPMed 0.00001; ExAC 0.00003; ESP Exome Variant Server 0.00008.
gnomAD v4.1: 10 of 1,610,656 alleles (0.00062%); highest among the groups gnomAD compares: African/African-American, 0.0027%; no homozygotes.

Submission:

Labcorp Genetics (formerly Invitae), Labcorp
Classification: Uncertain significance for Congenital myasthenic syndrome 9; Fetal akinesia deformation sequence 1. Last evaluated: 2022-05-04. Review status: criteria provided, single submitter. Criteria: Invitae Variant Classification Sherloc (09022015). Collection method: clinical testing. Allele origin: germline.
Comment: This sequence change replaces leucine, which is neutral and non-polar, with valine, which is neutral and non-polar, at codon 536 of the MUSK protein (p.Leu536Val). This variant is present in population databases (rs372082767, gnomAD 0.005%). This variant has not been reported in the literature in individuals affected with MUSK-related conditions. Algorithms developed to predict the effect of missense changes on protein structure and function (SIFT, PolyPhen-2, Align-GVGD) all suggest that this variant is likely to be disruptive. In summary, the available evidence is currently insufficient to determine the role of this variant in disease. Therefore, it has been classified as a Variant of Uncertain Significance.